The following is an entry in ClinVar:

ClinVar aggregate classification (germline): Likely benign. Review status: criteria provided, multiple submitters, no conflicts (2 of 4 stars). 2 submissions from 2 submitters: Likely benign (2). Last evaluated 2025-03-17.

Allele frequency attached by ClinVar (database versions not stated): gnomAD 0.00003 and 0.00004; gnomAD exomes 0.00004; TOPMed 0.00004; ExAC 0.00006.
gnomAD v4.1: 66 of 1,613,232 alleles (0.0041%); highest among the groups gnomAD compares: Non-Finnish European, 0.0049%; no homozygotes.

Submissions (2):

Labcorp Genetics (formerly Invitae), Labcorp
Classification: Likely benign. Last evaluated: 2025-03-17. Review status: criteria provided, single submitter. Criteria: Invitae Variant Classification Sherloc (09022015). Collection method: clinical testing. Allele origin: germline.

GeneDx
Classification: Likely benign. Last evaluated: 2016-12-13. Review status: criteria provided, single submitter. Criteria: GeneDx Variant Classification (06012015). Collection method: clinical testing. Allele origin: germline. Affected: yes.
Comment: This variant is considered likely benign or benign based on one or more of the following criteria: it is a conservative change, it occurs at a poorly conserved position in the protein, it is predicted to be benign by multiple in silico algorithms, and/or has population frequency not consistent with disease.

NM_018109.4(MTPAP):c.654C>T (p.Ala218=)

Gene: MTPAP (mitochondrial poly(A) polymerase; minus strand). Cytogenetic location: 10p11.23.
Variant type: single nucleotide variant.
Coding change: c.654C>T on transcript NM_018109.4 (MANE Select); coding-DNA position 654, C replaced by T.
Protein change: p.Ala218=; no amino-acid change (alanine 218 retained).
Molecular consequence: synonymous variant.
Genome position (GRCh38, 1-based): chr10:30,336,929, G>A on the plus strand (C>T on the coding strand, the complement: MTPAP is on the minus strand). VCF-style: chr10-30336929-G-A. GRCh37 (hg19) VCF-style: chr10-30625858-G-A.
Identifiers: ClinVar variation 391384 (VCV000391384.5), dbSNP rs761142787, ClinGen allele CA5459138.